The following is an entry in ClinVar:

ClinVar aggregate classification (germline): Likely benign (1 of 4 stars; one submission).

Submission:

CeGaT Center for Human Genetics Tuebingen
Classification: Likely benign. Last evaluated: 2024-12-01. Review status: criteria provided, single submitter. Criteria: CeGaT Center For Human Genetics Tuebingen Variant Classification Criteria Version 2. Collection method: clinical testing. Allele origin: germline. Affected: yes. Observed: 1 variant allele.
Comment: SLC9A6: PM2:Supporting, BP4, BP7

NM_001379110.1(SLC9A6):c.1812T>C (p.Asn604=)

Gene: SLC9A6 (solute carrier family 9 member A6; plus strand). Cytogenetic location: Xq26.3.
Variant type: single nucleotide variant.
Coding change: c.1812T>C on transcript NM_001379110.1 (MANE Select); coding-DNA position 1812, T replaced by C.
Protein change: p.Asn604=; no amino-acid change (asparagine 604 retained).
Molecular consequence: synonymous variant.
Genome position (GRCh38, 1-based): chrX:136,044,496, T>C. VCF-style: chrX-136044496-T-C. GRCh37 (hg19) VCF-style: chrX-135126655-T-C.
Other names: c.1878T>C, p.Asn626= (NM_001042537.2); c.1722T>C, p.Asn574= (NM_001177651.2, NM_001400909.1, NM_001400910.1 and 2 more transcripts); c.1626T>C, p.Asn542= (NM_001330652.2, NM_001400913.1); c.1782T>C, p.Asn594= (NM_006359.3).
Identifiers: ClinVar variation 3771835 (VCV003771835.13).